The following is an entry in ClinVar:

ClinVar aggregate classification (germline): Uncertain significance (1 of 4 stars; one submission).

Submission:

GeneDx
Classification: Uncertain significance. Last evaluated: 2020-03-26. Review status: criteria provided, single submitter. Criteria: GeneDx Variant Classification Process June 2021. Collection method: clinical testing. Allele origin: germline. Affected: yes.
Comment: Not observed in large population cohorts (Lek et al., 2016); Frameshift variant predicted to result in protein truncation or nonsense mediated decay in a gene for which loss-of-function is not a known mechanism of disease; Has not been previously published as pathogenic or benign to our knowledge

NM_001387430.1(SH2B1):c.121_130dup (p.Arg44fs)

Gene: SH2B1 (SH2B adaptor protein 1; plus strand). Cytogenetic location: 16p11.2.
Variant type: Duplication.
Coding change: c.121_130dup on transcript NM_001387430.1 (MANE Select); coding-DNA positions 121 to 130, 10 bases duplicated (TTTGCCCGCC; older notation c.121_130dupTTTGCCCGCC).
Protein change: p.Arg44fs; shifts the reading frame from arginine 44.
Molecular consequence: frameshift variant. On other transcripts: intron variant (1).
Genome position (GRCh38, 1-based): chr16:28,866,215-28,866,224, TTTGCCCGCC duplicated; duplicating any 10 consecutive bases within chr16:28,866,214-28,866,224 gives the same sequence; the c. name uses the placement nearest the transcript's 3' end. VCF-style (leftmost placement, unchanged base first): chr16-28866213-A-ACTTTGCCCGC. GRCh37 (hg19) VCF-style: chr16-28877534-A-ACTTTGCCCGC.
Other names: c.121_130dup, p.Arg44fs (NM_001145795.2, NM_001145796.2, NM_001145797.2 and 4 more transcripts); c.-26-1159_-26-1150dup (NM_001308294.2); short protein forms R44fs.
Identifiers: ClinVar variation 1306406 (VCV001306406.2), dbSNP rs2152175307, ClinGen allele CA2573054214.